The following is an entry in ClinVar:

ClinVar aggregate classification (germline): Likely pathogenic (1 of 4 stars; one submission).

gnomAD v4.1: 4 of 1,609,364 alleles (0.00025%); highest among the groups gnomAD compares: East Asian, 0.0045%; no homozygotes.

Submission:

GeneDx
Classification: Likely pathogenic. Last evaluated: 2025-09-28. Review status: criteria provided, single submitter. Criteria: GeneDx Variant Classification Process June 2021. Collection method: clinical testing. Allele origin: germline. Affected: yes.
Comment: Canonical splice site variant predicted to result in an in-frame loss of the adjacent exon in a gene for which loss of function is a known mechanism of disease; Not observed at significant frequency in large population cohorts (gnomAD); Has not been previously published as pathogenic or benign to our knowledge

NM_001394998.1(TANC2):c.213T>C (p.Gly71=)

Gene: TANC2 (tetratricopeptide repeat, ankyrin repeat and coiled-coil containing 2; plus strand). Cytogenetic location: 17q23.2.
Variant type: single nucleotide variant.
Coding change: c.213T>C on transcript NM_001394998.1 (MANE Select); coding-DNA position 213, T replaced by C.
Protein change: p.Gly71=; no amino-acid change (glycine 71 retained).
Molecular consequence: synonymous variant. On other transcripts: splice donor variant (2).
Genome position (GRCh38, 1-based): chr17:63,099,248, T>C. VCF-style: chr17-63099248-T-C. GRCh37 (hg19) VCF-style: chr17-61176609-T-C.
Other names: c.211+2T>C (NM_001411076.1, NM_025185.4).
Identifiers: ClinVar variation 4818902 (VCV004818902.1).